The following is an entry in ClinVar:

NM_001349253.2(SCN11A):c.2337A>C (p.Glu779Asp)

Gene: SCN11A (sodium voltage-gated channel alpha subunit 11; minus strand). Cytogenetic location: 3p22.2.
Variant type: single nucleotide variant.
Coding change: c.2337A>C on transcript NM_001349253.2 (MANE Select); coding-DNA position 2337, A replaced by C.
Protein change: p.Glu779Asp; replaces glutamic acid 779 with aspartic acid.
Molecular consequence: missense variant.
Genome position (GRCh38, 1-based): chr3:38,896,911, T>G on the plus strand (A>C on the coding strand, the complement: SCN11A is on the minus strand). VCF-style: chr3-38896911-T-G. GRCh37 (hg19) VCF-style: chr3-38938402-T-G.
Other names: c.2337A>C, p.Glu779Asp (NM_014139.3); c.2337A>C (NM_014139.2); short protein forms E779D.
Identifiers: ClinVar variation 1494208 (VCV001494208.9), dbSNP rs748549694, ClinGen allele CA2322084.
Genomic context (GRCh38, chr3:38,896,911, plus strand): 5'-TTTTCCTATCACCGTGATCAATATGAAGACAATAACACACAATGATGATGATGCATTCGC[T>G]TCTTGCATACATTCCCACATATTTTCGATCCATTCCCCGCAGAGGATGCGGAATACCACT-3'
Protein context (NP_001336182.1, residues 769-789): WIENMWECMQ[Glu779Asp]ANASSSLCVI

ClinVar aggregate classification (germline): Uncertain significance. Review status: criteria provided, multiple submitters, no conflicts (2 of 4 stars). 2 submissions from 2 submitters: Uncertain significance (2). Last evaluated 2025-09-02.

Conditions:
Inborn genetic diseases. Identifiers: MedGen C0950123, MeSH D030342.
Hereditary sensory and autonomic neuropathy type 7. Also called: HSAN VII; Neuropathy, hereditary sensory and autonomic, type VII. Identifiers: Orphanet 391397, MedGen C3809882, MONDO:0014244, OMIM 615548.
Familial episodic pain syndrome with predominantly lower limb involvement. Also called: Episodic pain syndrome, familial, 3. Identifiers: Orphanet 391384, Orphanet 391392, MedGen C3809899, MONDO:0014247, OMIM 615552.

Allele frequency attached by ClinVar (database versions not stated): gnomAD exomes 0.00001; ExAC 0.00002.

Submissions (2):

Ambry Genetics
Classification: Uncertain significance for Inborn genetic diseases. Last evaluated: 2025-09-02. Review status: criteria provided, single submitter. Criteria: Ambry Variant Classification Scheme 2023. Collection method: clinical testing. Allele origin: germline.

Labcorp Genetics (formerly Invitae), Labcorp
Classification: Uncertain significance for Familial episodic pain syndrome with predominantly lower limb involvement; Hereditary sensory and autonomic neuropathy type 7. Last evaluated: 2021-02-14. Review status: criteria provided, single submitter. Criteria: Invitae Variant Classification Sherloc (09022015). Collection method: clinical testing. Allele origin: germline.
Comment: Algorithms developed to predict the effect of missense changes on protein structure and function output the following: SIFT: "Tolerated"; PolyPhen-2: "Benign"; Align-GVGD: "Class C0". The aspartic acid amino acid residue is found in multiple mammalian species, suggesting that this missense change does not adversely affect protein function. These predictions have not been confirmed by published functional studies and their clinical significance is uncertain. In summary, the available evidence is currently insufficient to determine the role of this variant in disease. Therefore, it has been classified as a Variant of Uncertain Significance. This sequence change replaces glutamic acid with aspartic acid at codon 779 of the SCN11A protein (p.Glu779Asp). The glutamic acid residue is weakly conserved and there is a small physicochemical difference between glutamic acid and aspartic acid. This variant is present in population databases (rs748549694, ExAC 0.01%). This variant has not been reported in the literature in individuals with SCN11A-related conditions.